The following is an entry in ClinVar:

ClinVar aggregate classification (germline): Benign/Likely benign. Review status: criteria provided, multiple submitters, no conflicts (2 of 4 stars). 8 submissions from 8 submitters: Benign (6); Likely benign (1). 1 of the submissions does not count toward it. Last evaluated 2026-02-04.

Conditions:
Microcephalic primordial dwarfism due to RTTN deficiency (MSSP). Also called: Microcephaly, short stature, and polymicrogyria with or without seizures; MICROCEPHALY, SHORT STATURE, AND POLYMICROGYRIA. Identifiers: Orphanet 468631, MedGen C3553831, MONDO:0018764, OMIM 614833.

Allele frequency attached by ClinVar (database versions not stated): 1000 Genomes Project 30x 0.69831; TOPMed 0.70345; 1000 Genomes Project 0.71226; ESP Exome Variant Server 0.72727; gnomAD 0.73528.
gnomAD v4.1: 1,436,396 of 1,611,712 alleles (89%); highest among the groups gnomAD compares: East Asian, 100%; 657,817 homozygotes.

Submissions (8):

Labcorp Genetics (formerly Invitae), Labcorp
Classification: Benign. Last evaluated: 2026-02-04. Review status: criteria provided, single submitter. Criteria: Invitae Variant Classification Sherloc (09022015). Collection method: clinical testing. Allele origin: germline.

Blueprint Genetics
Classification: Likely benign. Last evaluated: 2024-11-28. Review status: criteria provided, single submitter. Criteria: ACMG Guidelines, 2015. Collection method: clinical testing. Allele origin: germline.

Genome-Nilou Lab
Classification: Benign for Microcephalic primordial dwarfism due to RTTN deficiency. Last evaluated: 2021-11-07. Review status: criteria provided, single submitter. Criteria: ACMG Guidelines, 2015. Collection method: clinical testing. Allele origin: germline. Affected: no.

Eurofins Ntd Llc (ga)
Classification: Benign. Last evaluated: 2017-07-21. Review status: criteria provided, single submitter. Criteria: EGL Classification Definitions 2015. Collection method: clinical testing. Allele origin: germline. Observed: 1 variant allele, 1 homozygote.

Laboratory for Molecular Medicine, Mass General Brigham Personalized Medicine
Classification: Benign. Last evaluated: 2016-03-29. Review status: criteria provided, single submitter. Criteria: LMM Criteria. Collection method: clinical testing. Allele origin: germline.
Comment: Variant identified in a genome or exome case(s) and assessed due to predicted null impact of the variant or pathogenic assertions in the literature or databases. Disclaimer: This variant has not undergone full assessment. The following are preliminary notes: Frequency

GeneDx
Classification: Benign. Last evaluated: 2016-01-08. Review status: criteria provided, single submitter. Criteria: GeneDx Variant Classification (06012015). Collection method: clinical testing. Allele origin: germline. Affected: yes.
Comment: This variant is considered likely benign or benign based on one or more of the following criteria: it is a conservative change, it occurs at a poorly conserved position in the protein, it is predicted to be benign by multiple in silico algorithms, and/or has population frequency not consistent with disease.

Breakthrough Genomics
Classification: Benign. Review status: criteria provided, single submitter. Criteria: ACMG Guidelines, 2015. Collection method: not provided. Allele origin: germline. Inheritance: Autosomal recessive inheritance. Affected: yes.

Genetic Services Laboratory, University of Chicago
Classification: Likely benign for AllHighlyPenetrant. Review status: no assertion criteria provided. Collection method: clinical testing. Allele origin: germline. Inheritance: Autosomal recessive inheritance. Not counted in ClinVar's aggregate classification.
Comment: Likely benign based on allele frequency in 1000 Genomes Project or ESP global frequency and its presence in a patient with a rare or unrelated disease phenotype. NOT Sanger confirmed.

NM_173630.4(RTTN):c.376T>G (p.Ser126Ala)

Gene: RTTN (rotatin; minus strand). Cytogenetic location: 18q22.2.
Variant type: single nucleotide variant.
Coding change: c.376T>G on transcript NM_173630.4 (MANE Select); coding-DNA position 376, T replaced by G.
Protein change: p.Ser126Ala; replaces serine 126 with alanine.
Molecular consequence: missense variant. On other transcripts: 5 prime UTR variant (1).
Genome position (GRCh38, 1-based): chr18:70,204,107, A>C on the plus strand (T>G on the coding strand, the complement: RTTN is on the minus strand). VCF-style: chr18-70204107-A-C. GRCh37 (hg19) VCF-style: chr18-67871343-A-C.
Other names: c.-2178T>G (NM_001318520.2); short protein forms S126A.
Identifiers: ClinVar variation 130179 (VCV000130179.24), dbSNP rs3911730, ClinGen allele CA155005.